The following is an entry in ClinVar:

ClinVar aggregate classification (germline): Conflicting classifications of pathogenicity. Review status: criteria provided, conflicting classifications (1 of 4 stars). 2 submissions from 2 submitters: Uncertain significance (1); Likely benign (1). Last evaluated 2023-05-12.

Conditions:
Hereditary pancreatitis (PCTT). Also called: Hereditary chronic pancreatitis; PRSS1-Related Hereditary Pancreatitis. Identifiers: Orphanet 676, MedGen C0238339, MONDO:0008185, OMIM 167800.

Allele frequency attached by ClinVar (database versions not stated): gnomAD 0.00001.

Submissions (2):

Labcorp Genetics (formerly Invitae), Labcorp
Classification: Uncertain significance. Last evaluated: 2023-05-12. Review status: criteria provided, single submitter. Criteria: Invitae Variant Classification Sherloc (09022015). Collection method: clinical testing. Allele origin: germline.
Comment: In summary, the available evidence is currently insufficient to determine the role of this variant in disease. Therefore, it has been classified as a Variant of Uncertain Significance. ClinVar contains an entry for this variant (Variation ID: 1799474). This variant has not been reported in the literature in individuals affected with CPA1-related conditions. This variant is present in population databases (no rsID available, gnomAD 0.1%). This sequence change creates a premature translational stop signal (p.Glu102Aspfs*59) in the CPA1 gene. It is expected to result in an absent or disrupted protein product. However, the current clinical and genetic evidence is not sufficient to establish whether loss-of-function variants in CPA1 cause disease.

Ambry Genetics
Classification: Likely benign for Hereditary pancreatitis. Last evaluated: 2022-06-24. Review status: criteria provided, single submitter. Criteria: Ambry Variant Classification Scheme 2023. Collection method: clinical testing. Allele origin: germline.

NM_001868.4(CPA1):c.306del (p.Glu102fs)

Gene: CPA1 (carboxypeptidase A1; plus strand). Cytogenetic location: 7q32.2.
Variant type: Deletion.
Coding change: c.306del on transcript NM_001868.4 (MANE Select); coding-DNA position 306, one base deleted (G; older notation c.306delG).
Protein change: p.Glu102fs; shifts the reading frame from glutamic acid 102.
Molecular consequence: frameshift variant.
Genome position (GRCh38, 1-based): chr7:130,381,788, G deleted. VCF-style (leftmost placement, unchanged base first): chr7-130381787-AG-A. GRCh37 (hg19) VCF-style: chr7-130021628-AG-A.
Other names: short protein forms E102fs.
Identifiers: ClinVar variation 1799474 (VCV001799474.5), dbSNP rs1554411224, ClinGen allele CA578152380.